The following is an entry in ClinVar:

ClinVar aggregate classification (germline): Pathogenic. Review status: reviewed by expert panel (3 of 4 stars). 13 submissions from 13 submitters: Pathogenic (1). 12 of the submissions do not count toward it. Last evaluated 2016-09-08.

Conditions:
Inherited prostate cancer.
BRCA2-related disorder. Also called: BRCA2-related condition; BRCA2-related disorders. Identifiers: MedGen CN239275.
Hereditary cancer-predisposing syndrome. Also called: Neoplastic Syndromes, Hereditary; Hereditary Cancer Syndrome; Tumor predisposition; Hereditary neoplastic syndrome. Identifiers: Orphanet 140162, MedGen C0027672, MeSH D009386, MONDO:0015356.
Hereditary breast ovarian cancer syndrome. Also called: Hereditary breast and ovarian cancer syndrome; Breast and ovarian cancer; BRCA1- and BRCA2-Associated Hereditary Breast and Ovarian Cancer; Hereditary breast and ovarian cancer; Hereditary breast and ovarian cancer syndrome (HBOC); Hereditary breast and/or ovarian cancer syndrome. Identifiers: Orphanet 145, MedGen C0677776, MeSH D061325, MONDO:0003582. Disease mechanism: loss of function.
Breast-ovarian cancer, familial, susceptibility to, 2 (BROVCA2). Also called: BRCA2 Hereditary Breast and Ovarian Cancer. Identifiers: Orphanet 145, MedGen C2675520, MONDO:0012933, OMIM 612555. Disease mechanism: loss of function.
Familial cancer of breast. Also called: hereditary breast carcinoma; BREAST CANCER, FAMILIAL; Hereditary breast cancer. Identifiers: Orphanet 227535, MedGen C0346153, MONDO:0016419, OMIM 114480. Disease mechanism: loss of function.

Submissions (13):

Evidence-based Network for the Interpretation of Germline Mutant Alleles (ENIGMA)
Classification: Pathogenic for Breast-ovarian cancer, familial, susceptibility to, 2. Last evaluated: 2016-09-08. Review status: reviewed by expert panel. Criteria: ENIGMA BRCA1/2 Classification Criteria (2015). Collection method: curation. Allele origin: germline.
Comment: Variant allele predicted to encode a truncated non-functional protein.

Genetics Laboratory, Great Ormond Street Hospital NHS Foundation Trust, North Thames Genomic Laboratory Hub
Classification: Pathogenic for Inherited prostate cancer. Last evaluated: 2026-09-04. Review status: criteria provided, single submitter. Criteria: CanVIG BRCA Gene Specific V1.22. Collection method: clinical testing. Allele origin: germline. Affected: yes. Not counted in ClinVar's aggregate classification.
Comment: PS4_supporting, PM2_moderate, PVS1_very-strong, PM5_strong

Center for Genomic Medicine, Rigshospitalet, Copenhagen University Hospital
Classification: Pathogenic. Last evaluated: 2025-12-29. Review status: criteria provided, single submitter. Criteria: ACMG Guidelines, 2015. Collection method: clinical testing. Allele origin: germline. Not counted in ClinVar's aggregate classification.

Labcorp Genetics (formerly Invitae), Labcorp
Classification: Pathogenic for Hereditary breast ovarian cancer syndrome. Last evaluated: 2025-11-11. Review status: criteria provided, single submitter. Criteria: Invitae Variant Classification Sherloc (09022015). Collection method: clinical testing. Allele origin: germline. Not counted in ClinVar's aggregate classification.
Comment: This sequence change creates a premature translational stop signal (p.Trp993*) in the BRCA2 gene. It is expected to result in an absent or disrupted protein product. Loss-of-function variants in BRCA2 are known to be pathogenic (PMID: 20104584). This variant is not present in population databases (gnomAD no frequency). This premature translational stop signal has been observed in individual(s) with BRCA2-related conditions (PMID: 29446198). ClinVar contains an entry for this variant (Variation ID: 126001). For these reasons, this variant has been classified as Pathogenic.

Department of Clinical Genetics, Copenhagen University Hospital, Rigshospitalet
Classification: Pathogenic for Breast-ovarian cancer, familial, susceptibility to, 2. Last evaluated: 2024-12-04. Review status: criteria provided, single submitter. Criteria: ACMG Guidelines, 2015. Collection method: clinical testing. Allele origin: germline. Affected: no. Not counted in ClinVar's aggregate classification.
Comment: he following ACMG criteria is used: PVS1; PM2_supporting; PM5_PTC_Strong

Quest Diagnostics Nichols Institute San Juan Capistrano
Classification: Pathogenic. Last evaluated: 2023-12-06. Review status: criteria provided, single submitter. Criteria: Quest Diagnostics criteria. Collection method: clinical testing. Allele origin: unknown. Not counted in ClinVar's aggregate classification.
Comment: The BRCA2 c.2978G>A (p.Trp993*) variant causes the premature termination of BRCA2 protein synthesis. This variant has been reported in the published literature in an individual with breast cancer (PMID: 36977404 (2023)). This variant has not been reported in large, multi-ethnic general populations (Genome Aggregation Database). Based on the available information, this variant is classified as pathogenic.

Baylor Genetics
Classification: Pathogenic for Familial cancer of breast. Last evaluated: 2023-09-06. Review status: criteria provided, single submitter. Criteria: ACMG Guidelines, 2015. Collection method: clinical testing. Allele origin: unknown. Not counted in ClinVar's aggregate classification.

Ambry Genetics
Classification: Pathogenic for Hereditary cancer-predisposing syndrome. Last evaluated: 2023-02-22. Review status: criteria provided, single submitter. Criteria: Ambry Variant Classification Scheme 2023. Collection method: clinical testing. Allele origin: germline. Not counted in ClinVar's aggregate classification.
Comment: The p.W993* pathogenic mutation (also known as c.2978G>A), located in coding exon 10 of the BRCA2 gene, results from a G to A substitution at nucleotide position 2978. This changes the amino acid from a tryptophan to a stop codon within coding exon 10. An adjacent nucleotide change, c.2979G>A, which results in the same stop codon, was detected in a breast and/or ovarian cancer family (Lecarpentier J. Breast Cancer Res. 2012 Jul;14(4):R99). In addition to the clinical information presented in the literature, this alteration is expected to result in loss of function by premature protein truncation or nonsense-mediated mRNA decay. As such, this alteration is interpreted as a disease-causing mutation.

Dasa
Classification: Pathogenic for BRCA2-related disorder. Last evaluated: 2022-03-05. Review status: criteria provided, single submitter. Criteria: ACMG Guidelines, 2015. Collection method: clinical testing. Allele origin: germline. Affected: yes. Observed: 1 variant allele. Not counted in ClinVar's aggregate classification.
Comment: The c.2978G>A;p.(Trp993*) variant creates a premature translational stop signal in the BRCA2 gene. It is expected to result in an absent or disrupted protein product - PVS1. This sequence change has been observed in affected individual(s) and ClinVar contains an entry for this variant (ClinVar ID: 126001; PMID: 16170354) - PS4. This variant is not present in population databases (rs80358543- gnomAD; ABraOM no frequency) - PM2. In summary, the currently available evidence indicates that the variant is pathogenic

Color Diagnostics, LLC DBA Color Health
Classification: Pathogenic for Hereditary cancer-predisposing syndrome. Last evaluated: 2019-09-05. Review status: criteria provided, single submitter. Criteria: ACMG Guidelines, 2015. Collection method: clinical testing. Allele origin: germline. Not counted in ClinVar's aggregate classification.
Comment: This variant changes 1 nucleotide in exon 11 of the BRCA2 gene, creating a premature translation stop signal. This variant is expected to result in an absent or non-functional protein product. Splice site prediction tools suggest that this variant may not impact RNA splicing. To our knowledge, functional studies have not been performed for this variant. While this variant has not been reported in individuals affected with hereditary cancer in the literature, a different variant having the the same protein effect has been reported in a family affected with breast and ovarian cancer (PMID: 16170354). This variant has not been identified in the general population by the Genome Aggregation Database (gnomAD). Loss of BRCA2 function is a known mechanism of disease. Based on the available evidence, this variant is classified as Pathogenic.

GeneDx
Classification: Pathogenic. Last evaluated: 2016-03-30. Review status: criteria provided, single submitter. Criteria: GeneDx Variant Classification (06012015). Collection method: clinical testing. Allele origin: germline. Affected: yes. Not counted in ClinVar's aggregate classification.
Comment: This variant is denoted BRCA2 c.2978G>A at the cDNA level and p.Trp993Ter (W993X) at the protein level. The substitution creates a nonsense variant, which changes a Tryptophan to a premature stop codon (TGG>TAG), and is predicted to cause loss of normal protein function through either protein truncation or nonsense-mediated mRNA decay. Using alternate nomenclature, this variant would be defined as 3206G>A. Although this variant has not, to our knowledge, been reported in the literature, the adjacent variant BRCA2 c.2979G>A, which also results in a premature stop codon at this residue (p.Trp993Ter), has been reported in a family with breast and ovarian cancer (Ware 2006). Based on currently available evidence, we consider this variant to be pathogenic.

Consortium of Investigators of Modifiers of BRCA1/2 (CIMBA), c/o University of Cambridge
Classification: Pathogenic for Breast-ovarian cancer, familial, susceptibility to, 2. Last evaluated: 2015-10-02. Review status: criteria provided, single submitter. Criteria: CIMBA Mutation Classification guidelines May 2016. Collection method: clinical testing. Allele origin: germline. Not counted in ClinVar's aggregate classification.

Breast Cancer Information Core (BIC) (BRCA2)
Classification: Pathogenic for Breast-ovarian cancer, familial 2. Last evaluated: 1998-11-30. Review status: no assertion criteria provided. Collection method: clinical testing. Allele origin: germline. Affected: yes. Observed: 1 variant allele. Not counted in ClinVar's aggregate classification.

Literature cited by the submitters: PubMed 20104584 (cited by Labcorp Genetics (formerly Invitae), Labcorp); PubMed 29446198 (cited by Labcorp Genetics (formerly Invitae), Labcorp and Ambry Genetics); PubMed 28281021 (cited by Quest Diagnostics Nichols Institute San Juan Capistrano); PubMed 33573335 (cited by Quest Diagnostics Nichols Institute San Juan Capistrano); PubMed 36977404 (cited by Quest Diagnostics Nichols Institute San Juan Capistrano); PubMed 16170354 (cited by Quest Diagnostics Nichols Institute San Juan Capistrano and Dasa); PubMed 22762150 (cited by Ambry Genetics).

NM_000059.4(BRCA2):c.2978G>A (p.Trp993Ter)

Gene: BRCA2 (BRCA2 DNA repair associated; plus strand). Cytogenetic location: 13q13.1.
Variant type: single nucleotide variant.
Coding change: c.2978G>A on transcript NM_000059.4 (MANE Select); coding-DNA position 2978, G replaced by A.
Protein change: p.Trp993Ter; replaces tryptophan 993 with a stop codon.
Molecular consequence: nonsense.
Genome position (GRCh38, 1-based): chr13:32,337,333, G>A. VCF-style: chr13-32337333-G-A. GRCh37 (hg19) VCF-style: chr13-32911470-G-A.
Other names: short protein forms W993X.
Identifiers: ClinVar variation 126001 (VCV000126001.29), dbSNP rs80358543, ClinGen allele CA016937.